The following is an entry in ClinVar:

ClinVar aggregate classification (germline): Uncertain significance. Review status: criteria provided, multiple submitters, no conflicts (2 of 4 stars). 4 submissions from 4 submitters: Uncertain significance (4). Last evaluated 2023-10-27.

Conditions:
Cardiovascular phenotype. Identifiers: MedGen CN230736.
Autosomal recessive limb-girdle muscular dystrophy type 2J (LGMDR10). Also called: Limb-girdle muscular dystrophy, type 2J; MUSCULAR DYSTROPHY, LIMB-GIRDLE, AUTOSOMAL RECESSIVE 10. Identifiers: Orphanet 140922, MedGen C1837342, MONDO:0012127, OMIM 608807.
Dilated cardiomyopathy 1G (CMD1G). Identifiers: Orphanet 154, MedGen C1858763, MONDO:0011400, OMIM 604145.

Allele frequency attached by ClinVar (database versions not stated): gnomAD below 0.00001 and 0.00003; 1000 Genomes Project 30x 0.00047; 1000 Genomes Project 0.00060.
gnomAD v4.1: 102 of 1,613,052 alleles (0.0063%); highest among the groups gnomAD compares: South Asian, 0.099%; no homozygotes.

Submissions (4):

Revvity Omics, Revvity
Classification: Uncertain significance. Last evaluated: 2023-10-27. Review status: criteria provided, single submitter. Criteria: ACMG Guidelines, 2015. Collection method: clinical testing. Allele origin: germline.

Ambry Genetics
Classification: Uncertain significance for Cardiovascular phenotype. Last evaluated: 2019-08-06. Review status: criteria provided, single submitter. Criteria: Ambry Variant Classification Scheme 2023. Collection method: clinical testing. Allele origin: germline.
Comment: The p.V15978F variant (also known as c.47932G>T), located in coding exon 153 of the TTN gene, results from a G to T substitution at nucleotide position 47932. The valine at codon 15978 is replaced by phenylalanine, an amino acid with highly similar properties. This amino acid position is highly conserved in available vertebrate species. In addition, the in silico prediction for this alteration is inconclusive. Since supporting evidence is limited at this time, the clinical significance of this alteration remains unclear.

Labcorp Genetics (formerly Invitae), Labcorp
Classification: Uncertain significance for Dilated cardiomyopathy 1G; Autosomal recessive limb-girdle muscular dystrophy type 2J. Last evaluated: 2017-08-02. Review status: criteria provided, single submitter. Criteria: Invitae Variant Classification Sherloc (09022015). Collection method: clinical testing. Allele origin: germline.

Laboratory for Molecular Medicine, Mass General Brigham Personalized Medicine
Classification: Uncertain significance. Last evaluated: 2015-06-11. Review status: criteria provided, single submitter. Criteria: LMM Criteria. Collection method: clinical testing. Allele origin: germline. Observed: 1 variant allele.
Comment: The p.Val22475Phe variant in TTN has not been previously reported in individuals with cardiomyopathy, but has been identified in 0.1% (13/16460) of South Asian chromosomes by the Exome Aggregation Consortium (ExAC; dbSNP rs559907766). Computational prediction tools and conservation analy sis do not provide strong support for or against an impact to the protein. In su mmary, the clinical significance of the p.Val22475Phe variant is uncertain.

NM_001267550.2(TTN):c.75127G>T (p.Val25043Phe)

Genes: TTN-AS1 (TTN antisense RNA 1; plus strand), TTN (titin; minus strand). Cytogenetic location: 2q31.2.
Variant type: single nucleotide variant.
Coding change: c.75127G>T on transcript NM_001267550.2 (MANE Select); coding-DNA position 75127, G replaced by T.
Protein change: p.Val25043Phe; replaces valine 25043 with phenylalanine.
Molecular consequence: missense variant.
Genome position (GRCh38, 1-based): chr2:178,571,005, C>A on the plus strand (G>T on the coding strand, the complement: TTN is on the minus strand). VCF-style: chr2-178571005-C-A. GRCh37 (hg19) VCF-style: chr2-179435732-C-A.
Other names: c.67423G>T, p.Val22475Phe (NM_133378.4); c.70204G>T, p.Val23402Phe (NM_001256850.1); c.47932G>T, p.Val15978Phe (NM_003319.4); c.48307G>T, p.Val16103Phe (NM_133432.3); c.48508G>T, p.Val16170Phe (NM_133437.4); short protein forms V22475F, V25043F, V15978F, V23402F, V16103F, V16170F.
Identifiers: ClinVar variation 229515 (VCV000229515.12), dbSNP rs559907766, ClinGen allele CA1990098.